The following is an entry in ClinVar:

ClinVar aggregate classification (germline): Likely benign (1 of 4 stars; one submission).

gnomAD v4.1: 2 of 1,614,114 alleles (0.00012%); highest among the groups gnomAD compares: Non-Finnish European, 0.00017%; no homozygotes.

Submission:

CeGaT Center for Human Genetics Tuebingen
Classification: Likely benign. Last evaluated: 2024-09-01. Review status: criteria provided, single submitter. Criteria: CeGaT Center For Human Genetics Tuebingen Variant Classification Criteria Version 2. Collection method: clinical testing. Allele origin: germline. Affected: yes. Observed: 1 variant allele.
Comment: ANKRD11: BP4, BP7

NM_013275.6(ANKRD11):c.4974T>C (p.Thr1658=)

Gene: ANKRD11 (ankyrin repeat domain 11; minus strand). Cytogenetic location: 16q24.3.
Variant type: single nucleotide variant.
Coding change: c.4974T>C on transcript NM_013275.6 (MANE Select); coding-DNA position 4974, T replaced by C.
Protein change: p.Thr1658=; no amino-acid change (threonine 1658 retained).
Molecular consequence: synonymous variant.
Genome position (GRCh38, 1-based): chr16:89,281,568, A>G on the plus strand (T>C on the coding strand, the complement: ANKRD11 is on the minus strand). VCF-style: chr16-89281568-A-G. GRCh37 (hg19) VCF-style: chr16-89347976-A-G.
Other names: c.4974T>C, p.Thr1658= (NM_001256182.2, NM_001256183.2).
Identifiers: ClinVar variation 3341552 (VCV003341552.16).